The following is an entry in ClinVar:

NM_001089.3(ABCA3):c.1681A>T (p.Ile561Phe)

Gene: ABCA3 (ATP binding cassette subfamily A member 3; minus strand). Cytogenetic location: 16p13.3.
Variant type: single nucleotide variant.
Coding change: c.1681A>T on transcript NM_001089.3 (MANE Select); coding-DNA position 1681, A replaced by T.
Protein change: p.Ile561Phe; replaces isoleucine 561 with phenylalanine.
Molecular consequence: missense variant.
Genome position (GRCh38, 1-based): chr16:2,299,463, T>A on the plus strand (A>T on the coding strand, the complement: ABCA3 is on the minus strand). VCF-style: chr16-2299463-T-A. GRCh37 (hg19) VCF-style: chr16-2349464-T-A.
Other names: short protein forms I561F.
Identifiers: ClinVar variation 3603951 (VCV003603951.3).

ClinVar aggregate classification (germline): Uncertain significance. Review status: criteria provided, multiple submitters, no conflicts (2 of 4 stars). 2 submissions from 2 submitters: Uncertain significance (2). Last evaluated 2024-07-22.

gnomAD v4.1: 138 of 1,613,758 alleles (0.0086%); highest among the groups gnomAD compares: Non-Finnish European, 0.011%; no homozygotes.

Submissions (2):

Labcorp Genetics (formerly Invitae), Labcorp
Classification: Uncertain significance. Last evaluated: 2024-07-22. Review status: criteria provided, single submitter. Criteria: Invitae Variant Classification Sherloc (09022015). Collection method: clinical testing. Allele origin: germline.
Comment: This sequence change replaces isoleucine, which is neutral and non-polar, with phenylalanine, which is neutral and non-polar, at codon 561 of the ABCA3 protein (p.Ile561Phe). This variant is present in population databases (rs141389365, gnomAD 0.004%). This variant has not been reported in the literature in individuals affected with ABCA3-related conditions. Advanced modeling of protein sequence and biophysical properties (such as structural, functional, and spatial information, amino acid conservation, physicochemical variation, residue mobility, and thermodynamic stability) performed at Invitae indicates that this missense variant is expected to disrupt ABCA3 protein function with a positive predictive value of 80%. In summary, the available evidence is currently insufficient to determine the role of this variant in disease. Therefore, it has been classified as a Variant of Uncertain Significance.

Blueprint Genetics
Classification: Uncertain significance. Last evaluated: 2024-05-30. Review status: criteria provided, single submitter. Criteria: ACMG Guidelines, 2015. Collection method: clinical testing. Allele origin: germline.